The following is an entry in ClinVar:

ClinVar aggregate classification (germline): Pathogenic/Likely pathogenic. Review status: criteria provided, multiple submitters, no conflicts (2 of 4 stars). 2 submissions from 2 submitters: Pathogenic (1); Likely pathogenic (1). Last evaluated 2026-01-24.

Conditions:
Hermansky-Pudlak syndrome 6 (HPS6). Identifiers: Orphanet 231512, Orphanet 79430, MedGen C3888007, MONDO:0013558, OMIM 614075.

Submissions (2):

Labcorp Genetics (formerly Invitae), Labcorp
Classification: Pathogenic. Last evaluated: 2026-01-24. Review status: criteria provided, single submitter. Criteria: Invitae Variant Classification Sherloc (09022015). Collection method: clinical testing. Allele origin: germline.
Comment: This sequence change creates a premature translational stop signal (p.Leu383Valfs*12) in the HPS6 gene. While this is not anticipated to result in nonsense mediated decay, it is expected to disrupt the last 393 amino acid(s) of the HPS6 protein. This variant is not present in population databases (gnomAD no frequency). This premature translational stop signal has been observed in individual(s) with Hermansky-Pudlak syndrome (PMID: 35886065). This variant is also known as c.1146_1147delTC (p.Gly382Glyfs*13). ClinVar contains an entry for this variant (Variation ID: 2797868). This variant disrupts a region of the HPS6 protein in which other variant(s) (p.Gln680*) have been determined to be pathogenic (PMID: 27225848, 29054114, 31141302). This suggests that this is a clinically significant region of the protein, and that variants that disrupt it are likely to be disease-causing. For these reasons, this variant has been classified as Pathogenic.

Juno Genomics, Hangzhou Juno Genomics, Inc
Classification: Likely pathogenic for Hermansky-Pudlak syndrome 6. Review status: criteria provided, single submitter. Criteria: ACMG Guidelines, 2015. Collection method: clinical testing. Allele origin: germline.
Comment: Absent from controls (or at extremely low frequency if recessive) in Genome Aggregation Database.;Null variant in a gene where loss of function (LOF) is a known mechanism of disease.;For recessive disorders, detected in trans with a pathogenic variant.

Literature cited by the submitters: PubMed 35886065 (cited by Labcorp Genetics (formerly Invitae), Labcorp); PubMed 27225848 (cited by Labcorp Genetics (formerly Invitae), Labcorp); PubMed 29054114 (cited by Labcorp Genetics (formerly Invitae), Labcorp); PubMed 31141302 (cited by Labcorp Genetics (formerly Invitae), Labcorp).

NM_024747.6(HPS6):c.1147_1148del (p.Leu383fs)

Gene: HPS6 (HPS6 biogenesis of lysosomal organelles complex 2 subunit 3; plus strand). Cytogenetic location: 10q24.32.
Variant type: Deletion.
Coding change: c.1147_1148del on transcript NM_024747.6 (MANE Select); coding-DNA positions 1147 to 1148, 2 bases deleted (CT; older notation c.1147_1148delCT).
Protein change: p.Leu383fs; shifts the reading frame from leucine 383.
Molecular consequence: frameshift variant.
Genome position (GRCh38, 1-based): chr10:102,066,621-102,066,622, CT deleted; deleting any 2 consecutive bases within chr10:102,066,620-102,066,622 gives the same sequence; the c. name uses the placement nearest the transcript's 3' end. VCF-style (leftmost placement, unchanged base first): chr10-102066619-GTC-G. GRCh37 (hg19) VCF-style: chr10-103826376-GTC-G.
Other names: c.1147_1148delCT, p.Leu383Valfs (NM_024747.5); short protein forms L383fs.
Identifiers: ClinVar variation 2797868 (VCV002797868.6), dbSNP rs2540987661, ClinGen allele CA2574649144.
Genomic context (GRCh38, chr10:102,066,619, plus strand): 5'-GCATGGAGGATGAGGAAGAGCTGGAGACCCGAGGGAATCTTCGTCTGCTTTCAGCCTTGG[GTC>G]TGTTTTGTGTGGGCTGGGAAGCCCCACAGGGTGTTGAGTTGCCTTCAGCCAAGGATCTGG-3'